The following is an entry in ClinVar:

NM_000057.4(BLM):c.2254del (p.Gln752fs)

Gene: BLM (BLM RecQ like helicase; plus strand). Cytogenetic location: 15q26.1.
Variant type: Deletion.
Coding change: c.2254del on transcript NM_000057.4 (MANE Select); coding-DNA position 2254, one base deleted (C; older notation c.2254delC).
Protein change: p.Gln752fs; shifts the reading frame from glutamine 752.
Molecular consequence: frameshift variant.
Genome position (GRCh38, 1-based): chr15:90,766,970, C deleted; the last of 2 consecutive C bases (chr15:90,766,969-90,766,970); deleting either gives the same sequence. VCF-style (leftmost placement, unchanged base first): chr15-90766968-TC-T. GRCh37 (hg19) VCF-style: chr15-91310198-TC-T.
Other names: c.2254del, p.Gln752fs (NM_001287246.2, NM_001287247.2); c.1129del, p.Gln377fs (NM_001287248.2); short protein forms Q377fs, Q752fs.
Identifiers: ClinVar variation 4815754 (VCV004815754.1).

ClinVar aggregate classification (germline): Likely pathogenic (1 of 4 stars; one submission).

Conditions:
Bloom syndrome (BLM). Also called: Bloom-Torre-Machacek syndrome. Identifiers: Orphanet 125, MedGen C0005859, MONDO:0008876, OMIM 210900.

Submission:

Natera, Inc.
Classification: Likely pathogenic for Bloom syndrome. Last evaluated: 2025-06-05. Review status: criteria provided, single submitter. Criteria: Natera Variant Classification Schema (03/2026). Collection method: clinical testing. Allele origin: germline.
Comment: The c.2254del variant in BLM is a frameshift variant predicted to shift the reading frame beginning at codon 752 and leads to a stop codon 9 codons downstream. This variant is expected to result in nonsense mediated decay, truncation, or a dysfunctional protein product. This variant is rare in the general population with a frequency below the threshold expected for the associated phenotype(s). Given the available evidence, this variant is classified as Likely Pathogenic.